The following is an entry in ClinVar:

NM_000814.6(GABRB3):c.836-336C>T

Gene: GABRB3 (gamma-aminobutyric acid type A receptor subunit beta3; minus strand). Cytogenetic location: 15q12.
Variant type: single nucleotide variant.
Coding change: c.836-336C>T on transcript NM_000814.6 (MANE Select); 336 bases into the intron before coding-DNA position 836, C replaced by T.
Molecular consequence: intron variant.
Genome position (GRCh38, 1-based): chr15:26,561,512, G>A on the plus strand (C>T on the coding strand, the complement: GABRB3 is on the minus strand). VCF-style: chr15-26561512-G-A. GRCh37 (hg19) VCF-style: chr15-26806659-G-A.
Other names: c.836-336C>T (NM_021912.5); c.581-336C>T (NM_001278631.2, NM_001191320.2); c.623-336C>T (NM_001191321.3).
Identifiers: ClinVar variation 668799 (VCV000668799.1), dbSNP rs11631853, ClinGen allele CA14168251.

ClinVar aggregate classification (germline): Benign (1 of 4 stars; one submission).

Allele frequency attached by ClinVar (database versions not stated): 1000 Genomes Project 0.31350; 1000 Genomes Project 30x 0.31465; TOPMed 0.38022.
gnomAD v4.1: 59,607 of 151,496 alleles (39%); highest among the groups gnomAD compares: Non-Finnish European, 49%; 12,853 homozygotes.

Submission:

GeneDx
Classification: Benign. Last evaluated: 2018-06-18. Review status: criteria provided, single submitter. Criteria: GeneDx Variant Classification (06012015). Collection method: clinical testing. Allele origin: germline. Affected: yes.
Comment: This variant is considered likely benign or benign based on one or more of the following criteria: it is a conservative change, it occurs at a poorly conserved position in the protein, it is predicted to be benign by multiple in silico algorithms, and/or has population frequency not consistent with disease.